The following is an entry in ClinVar:

ClinVar aggregate classification (germline): Uncertain significance (1 of 4 stars; one submission).

Conditions:
Autosomal recessive polycystic kidney disease (ARPKD). Also called: AR polycystic kidney disease. Identifiers: Orphanet 731, Orphanet 8378, MedGen C0085548, MeSH D017044, MONDO:0009889.

Submission:

Labcorp Genetics (formerly Invitae), Labcorp
Classification: Uncertain significance for Autosomal recessive polycystic kidney disease. Last evaluated: 2021-09-17. Review status: criteria provided, single submitter. Criteria: Invitae Variant Classification Sherloc (09022015). Collection method: clinical testing. Allele origin: germline.
Comment: This sequence change replaces aspartic acid with histidine at codon 3052 of the PKHD1 protein (p.Asp3052His). The aspartic acid residue is moderately conserved and there is a moderate physicochemical difference between aspartic acid and histidine. This variant is not present in population databases (ExAC no frequency). This variant has not been reported in the literature in individuals with PKHD1-related conditions. Algorithms developed to predict the effect of missense changes on protein structure and function are either unavailable or do not agree on the potential impact of this missense change (SIFT: "Tolerated"; PolyPhen-2: "Possibly Damaging"; Align-GVGD: "Class C0"). In summary, the available evidence is currently insufficient to determine the role of this variant in disease. Therefore, it has been classified as a Variant of Uncertain Significance.

NM_138694.4(PKHD1):c.9154G>C (p.Asp3052His)

Gene: PKHD1 (PKHD1 ciliary IPT domain containing fibrocystin/polyductin; minus strand). Cytogenetic location: 6p12.3.
Variant type: single nucleotide variant.
Coding change: c.9154G>C on transcript NM_138694.4 (MANE Select); coding-DNA position 9154, G replaced by C.
Protein change: p.Asp3052His; replaces aspartic acid 3052 with histidine.
Molecular consequence: missense variant.
Genome position (GRCh38, 1-based): chr6:51,748,462, C>G on the plus strand (G>C on the coding strand, the complement: PKHD1 is on the minus strand). VCF-style: chr6-51748462-C-G. GRCh37 (hg19) VCF-style: chr6-51613260-C-G.
Other names: c.9154G>C, p.Asp3052His (NM_170724.3); short protein forms D3052H.
Identifiers: ClinVar variation 1429266 (VCV001429266.6), dbSNP rs765526, ClinGen allele CA138896624.